The following is an entry in ClinVar:

ClinVar aggregate classification (germline): Likely benign (1 of 4 stars; one submission).

Submission:

CeGaT Center for Human Genetics Tuebingen
Classification: Likely benign. Last evaluated: 2025-05-01. Review status: criteria provided, single submitter. Criteria: CeGaT Center For Human Genetics Tuebingen Variant Classification Criteria Version 2. Collection method: clinical testing. Allele origin: germline. Affected: yes. Observed: 1 variant allele.
Comment: MAGEC1: BP4, BS2

NM_005462.5(MAGEC1):c.1051T>C (p.Leu351=)

Gene: MAGEC1 (MAGE family member C1; plus strand). Cytogenetic location: Xq27.2.
Variant type: single nucleotide variant.
Coding change: c.1051T>C on transcript NM_005462.5 (MANE Select); coding-DNA position 1051, T replaced by C.
Protein change: p.Leu351=; no amino-acid change (leucine 351 retained).
Molecular consequence: synonymous variant.
Genome position (GRCh38, 1-based): chrX:141,906,455, T>C. VCF-style: chrX-141906455-T-C. GRCh37 (hg19) VCF-style: chrX-140994241-T-C.
Identifiers: ClinVar variation 3904794 (VCV003904794.10).